The following is an entry in ClinVar:

ClinVar aggregate classification (germline): Uncertain significance (1 of 4 stars; one submission).

Conditions:
X-linked severe congenital neutropenia (SCNX). Identifiers: Orphanet 86788, MedGen C1845987, MONDO:0010294, OMIM 300299.
Thrombocytopenia 1. Also called: THROMBOCYTOPENIA, X-LINKED, 1; X-linked thrombocytopenia with normal platelets; X-Linked Thrombocytopenia (XLT). Identifiers: Orphanet 268322, Orphanet 852, MedGen C1839163, MONDO:0010743, OMIM 313900.
Wiskott-Aldrich syndrome (WAS). Also called: ALDRICH SYNDROME; IMMUNODEFICIENCY 2; Wiskott-aldrich syndrome, somatic; WISKOTT-ALDRICH SYNDROME 1. Identifiers: Orphanet 906, MedGen C0043194, MONDO:0010518, OMIM 301000.

gnomAD v4.1: 6 of 1,200,503 alleles (0.0005%); highest among the groups gnomAD compares: Non-Finnish European, 0.00056%; no homozygotes.

Submission:

Labcorp Genetics (formerly Invitae), Labcorp
Classification: Uncertain significance for Wiskott-Aldrich syndrome; X-linked severe congenital neutropenia; Thrombocytopenia 1. Last evaluated: 2024-09-08. Review status: criteria provided, single submitter. Criteria: Invitae Variant Classification Sherloc (09022015). Collection method: clinical testing. Allele origin: germline.
Comment: This sequence change replaces proline, which is neutral and non-polar, with histidine, which is basic and polar, at codon 112 of the WAS protein (p.Pro112His). This variant is present in population databases (no rsID available, gnomAD 0.001%). This variant has not been reported in the literature in individuals affected with WAS-related conditions. Invitae Evidence Modeling of protein sequence and biophysical properties (such as structural, functional, and spatial information, amino acid conservation, physicochemical variation, residue mobility, and thermodynamic stability) indicates that this missense variant is expected to disrupt WAS protein function with a positive predictive value of 80%. In summary, the available evidence is currently insufficient to determine the role of this variant in disease. Therefore, it has been classified as a Variant of Uncertain Significance.

NM_000377.3(WAS):c.335C>A (p.Pro112His)

Gene: WAS (WASP actin nucleation promoting factor; plus strand). Cytogenetic location: Xp11.23.
Variant type: single nucleotide variant.
Coding change: c.335C>A on transcript NM_000377.3 (MANE Select); coding-DNA position 335, C replaced by A.
Protein change: p.Pro112His; replaces proline 112 with histidine.
Molecular consequence: missense variant.
Genome position (GRCh38, 1-based): chrX:48,685,608, C>A. VCF-style: chrX-48685608-C-A. GRCh37 (hg19) VCF-style: chrX-48543997-C-A.
Other names: short protein forms P112H.
Identifiers: ClinVar variation 3763015 (VCV003763015.2).